The following is an entry in ClinVar:

ClinVar aggregate classification (germline): Pathogenic (1 of 4 stars; one submission).

Conditions:
Multiple congenital exostosis (EXT). Also called: Hereditary multiple osteochondromas; Multiple osteochondromas; MULTIPLE CARTILAGINOUS EXOSTOSES; Multiple exostoses; Hereditary multiple exostoses; Hereditary multiple exostosis. Identifiers: Orphanet 321, MedGen C0015306, MONDO:0005508, HP:0002762.

Submission:

Labcorp Genetics (formerly Invitae), Labcorp
Classification: Pathogenic for Multiple congenital exostosis. Last evaluated: 2024-11-27. Review status: criteria provided, single submitter. Criteria: Invitae Variant Classification Sherloc (09022015). Collection method: clinical testing. Allele origin: germline.
Comment: This sequence change creates a premature translational stop signal (p.Leu424*) in the EXT1 gene. It is expected to result in an absent or disrupted protein product. Loss-of-function variants in EXT1 are known to be pathogenic (PMID: 10679937, 11391482, 19810120). This variant is not present in population databases (gnomAD no frequency). This premature translational stop signal has been observed in individual(s) with hereditary multiple osteochondromatosis (PMID: 16088908). For these reasons, this variant has been classified as Pathogenic.

Literature cited by the submitters: PubMed 10679937; PubMed 11391482; PubMed 19810120; PubMed 16088908.

NM_000127.3(EXT1):c.1269del (p.Val423_Leu424insTer)

Gene: EXT1 (exostosin glycosyltransferase 1; minus strand). Cytogenetic location: 8q24.11.
Variant type: Deletion.
Coding change: c.1269del on transcript NM_000127.3 (MANE Select); coding-DNA position 1269, one base deleted (A; older notation c.1269delA).
Protein change: p.Val423_Leu424insTer.
Molecular consequence: frameshift variant.
Genome position (GRCh38, 1-based): chr8:117,830,245, T deleted on the plus strand (A on the coding strand, the reverse complement: EXT1 is on the minus strand). VCF-style (leftmost placement, unchanged base first): chr8-117830244-AT-A. GRCh37 (hg19) VCF-style: chr8-118842483-AT-A.
Identifiers: ClinVar variation 3726308 (VCV003726308.2).